The following is an entry in ClinVar:

ClinVar aggregate classification (germline): Uncertain significance. Review status: criteria provided, multiple submitters, no conflicts (2 of 4 stars). 2 submissions from 2 submitters: Uncertain significance (2). Last evaluated 2023-04-23.

Conditions:
Familial cancer of breast. Also called: Hereditary breast cancer; BREAST CANCER, FAMILIAL; hereditary breast carcinoma. Identifiers: Orphanet 227535, MedGen C0346153, MONDO:0016419, OMIM 114480. Disease mechanism: loss of function.
Hereditary cancer-predisposing syndrome. Also called: Hereditary Cancer Syndrome; Tumor predisposition; Neoplastic Syndromes, Hereditary; Hereditary neoplastic syndrome. Identifiers: Orphanet 140162, MedGen C0027672, MeSH D009386, MONDO:0015356.

Submissions (2):

Ambry Genetics
Classification: Uncertain significance for Hereditary cancer-predisposing syndrome. Last evaluated: 2023-04-23. Review status: criteria provided, single submitter. Criteria: Ambry Variant Classification Scheme 2023. Collection method: clinical testing. Allele origin: germline.
Comment: The p.P92T variant (also known as c.274C>A), located in coding exon 1 of the CHEK2 gene, results from a C to A substitution at nucleotide position 274. The proline at codon 92 is replaced by threonine, an amino acid with highly similar properties. This amino acid position is conserved. In addition, the in silico prediction for this alteration is inconclusive. Since supporting evidence is limited at this time, the clinical significance of this alteration remains unclear.

Labcorp Genetics (formerly Invitae), Labcorp
Classification: Uncertain significance for Familial cancer of breast. Last evaluated: 2019-01-22. Review status: criteria provided, single submitter. Criteria: Invitae Variant Classification Sherloc (09022015). Collection method: clinical testing. Allele origin: germline.
Comment: This sequence change replaces proline with threonine at codon 92 of the CHEK2 protein (p.Pro92Thr). The proline residue is highly conserved and there is a small physicochemical difference between proline and threonine. This variant is not present in population databases (ExAC no frequency). This variant has not been reported in the literature in individuals with CHEK2-related conditions. Algorithms developed to predict the effect of missense changes on protein structure and function are either unavailable or do not agree on the potential impact of this missense change (SIFT: "Deleterious"; PolyPhen-2: "Benign"; Align-GVGD: "Class C35"). In summary, the available evidence is currently insufficient to determine the role of this variant in disease. Therefore, it has been classified as a Variant of Uncertain Significance.

NM_007194.4(CHEK2):c.274C>A (p.Pro92Thr)

Gene: CHEK2 (checkpoint kinase 2; minus strand). Cytogenetic location: 22q12.1.
Variant type: single nucleotide variant.
Coding change: c.274C>A on transcript NM_007194.4 (MANE Select); coding-DNA position 274, C replaced by A.
Protein change: p.Pro92Thr; replaces proline 92 with threonine.
Molecular consequence: missense variant.
Genome position (GRCh38, 1-based): chr22:28,734,448, G>T on the plus strand (C>A on the coding strand, the complement: CHEK2 is on the minus strand). VCF-style: chr22-28734448-G-T. GRCh37 (hg19) VCF-style: chr22-29130436-G-T.
Other names: c.274C>A, p.Pro92Thr (NM_001005735.3, NM_001349956.3, NM_145862.3); c.-504C>A (NM_001257387.3); short protein forms P92T.
Identifiers: ClinVar variation 863628 (VCV000863628.12), dbSNP rs1555932172, ClinGen allele CA411090430.